The following is an entry in ClinVar:

NM_000254.3(MTR):c.742G>A (p.Val248Met)

Gene: MTR (5-methyltetrahydrofolate-homocysteine methyltransferase; plus strand). Cytogenetic location: 1q43.
Variant type: single nucleotide variant.
Coding change: c.742G>A on transcript NM_000254.3 (MANE Select); coding-DNA position 742, G replaced by A.
Protein change: p.Val248Met; replaces valine 248 with methionine.
Molecular consequence: missense variant. On other transcripts: 5 prime UTR variant (1).
Genome position (GRCh38, 1-based): chr1:236,816,521, G>A. VCF-style: chr1-236816521-G-A. GRCh37 (hg19) VCF-style: chr1-236979821-G-A.
Other names: c.742G>A, p.Val248Met (NM_001291939.1); c.-367G>A (NM_001291940.2); short protein forms V248M.
Identifiers: ClinVar variation 296553 (VCV000296553.39), dbSNP rs142648132, ClinGen allele CA1473847.

ClinVar aggregate classification (germline): Conflicting classifications of pathogenicity. Review status: criteria provided, conflicting classifications (1 of 4 stars). 4 submissions from 4 submitters: Uncertain significance (1); Benign (1); Likely benign (1). 1 of the submissions does not count toward it. Last evaluated 2026-01-28.

Conditions:
MTR-related disorder. Also called: MTR-related condition.
Disorders of Intracellular Cobalamin Metabolism. Identifiers: MedGen CN043592.
Methylcobalamin deficiency type cblG (HMAG). Also called: HOMOCYSTINURIA-MEGALOBLASTIC ANEMIA, cblG COMPLEMENTATION TYPE; HOMOCYSTINURIA-MEGALOBLASTIC ANEMIA, cblG TYPE; Functional methionine synthase deficiency type cblG; HOMOCYSTINURIA-MEGALOBLASTIC ANEMIA DUE TO DEFECT IN COBALAMIN METABOLISM, cblG COMPLEMENTATION TYPE. Identifiers: Orphanet 2170, Orphanet 622, MedGen C1855128, MONDO:0009609, OMIM 250940.

Allele frequency attached by ClinVar (database versions not stated): 1000 Genomes Project 30x 0.00016; 1000 Genomes Project 0.00020; ESP Exome Variant Server 0.00038; TOPMed 0.00051.
gnomAD v4.1: 1,053 of 1,614,056 alleles (0.065%); highest among the groups gnomAD compares: Non-Finnish European, 0.066%; 2 homozygotes.

Submissions (4):

Labcorp Genetics (formerly Invitae), Labcorp
Classification: Benign for Methylcobalamin deficiency type cblG. Last evaluated: 2026-01-28. Review status: criteria provided, single submitter. Criteria: Invitae Variant Classification Sherloc (09022015). Collection method: clinical testing. Allele origin: germline.

CeGaT Center for Human Genetics Tuebingen
Classification: Likely benign. Last evaluated: 2023-02-01. Review status: criteria provided, single submitter. Criteria: CeGaT Center For Human Genetics Tuebingen Variant Classification Criteria Version 2. Collection method: clinical testing. Allele origin: germline. Affected: yes. Observed: 1 variant allele.
Comment: MTR: BP4, BS2

Illumina Laboratory Services, Illumina
Classification: Uncertain significance for Disorders of Intracellular Cobalamin Metabolism. Last evaluated: 2018-01-13. Review status: criteria provided, single submitter. Criteria: ICSL Variant Classification Criteria 13 December 2019. Collection method: clinical testing. Allele origin: germline.

PreventionGenetics, part of Exact Sciences
Classification: Likely benign for MTR-related condition. Last evaluated: 2022-02-09. Review status: no assertion criteria provided. Collection method: clinical testing. Allele origin: germline. Not counted in ClinVar's aggregate classification.
Comment: This variant is classified as likely benign based on ACMG/AMP sequence variant interpretation guidelines (Richards et al. 2015 PMID: 25741868, with internal and published modifications).